The following is an entry in ClinVar:

NC_000011.10:g.(?_108292619)_(108299885_?)del

Gene: ATM (ATM serine/threonine kinase; plus strand). Cytogenetic location: 11q22.3.
Variant type: Deletion.
Identifiers: ClinVar variation 417407 (VCV000417407.1).

ClinVar aggregate classification (germline): Likely pathogenic (1 of 4 stars; one submission).

Conditions:
Ataxia-telangiectasia syndrome (AT). Also called: Ataxia-telangiectasia; Cerebello-oculocutaneous telangiectasia; Immunodeficiency with ataxia telangiectasia; ATAXIA-TELANGIECTASIA, COMPLEMENTATION GROUP A; ATAXIA-TELANGIECTASIA, FRESNO VARIANT; Ataxia-telangiectasia, complementation group D. Identifiers: Orphanet 100, MedGen C0004135, MONDO:0008840, OMIM 208900.

Submission:

Labcorp Genetics (formerly Invitae), Labcorp
Classification: Likely pathogenic for Ataxia-telangiectasia syndrome. Last evaluated: 2016-11-15. Review status: criteria provided, single submitter. Criteria: Invitae Variant Classification Sherloc (09022015). Collection method: clinical testing. Allele origin: germline.
Comment: This variant is a gross deletion of the genomic region encompassing exons 30-34 of the ATM gene. This leads to an in-frame deletion, preserving the integrity of the reading frame. This deletion has been observed on the opposite chromosome (in trans) from a pathogenic variant in an individual affected with ataxia-telangiectasia (PMID: 16941484). This finding is consistent with autosomal recessive inheritance and suggests that this variant contributes to disease. This variant is also known as a deletion of exons 32-36 in the literature. This variant is expected to result in the in-frame deletion of 247 amino acids in the ATM protein (p.Arg1479_Cys1726delinsSer). While this is not anticipated to result in nonsense mediated decay, it likely disrupts the structure and/or function of the ATM protein. In summary, this variant is a rare in-frame deletion that has been reported in an affected individual. This evidence indicates that the variant is pathogenic, but additional data is needed to prove that conclusively. Therefore, this variant has been classified as Likely Pathogenic.